The following is an entry in ClinVar:

NM_001375808.2(LPIN2):c.1880T>C (p.Leu627Pro)

Gene: LPIN2 (lipin 2; minus strand). Cytogenetic location: 18p11.31.
Variant type: single nucleotide variant.
Coding change: c.1880T>C on transcript NM_001375808.2 (MANE Select); coding-DNA position 1880, T replaced by C.
Protein change: p.Leu627Pro; replaces leucine 627 with proline.
Molecular consequence: missense variant.
Genome position (GRCh38, 1-based): chr18:2,925,282, A>G on the plus strand (T>C on the coding strand, the complement: LPIN2 is on the minus strand). VCF-style: chr18-2925282-A-G. GRCh37 (hg19) VCF-style: chr18-2925280-A-G.
Other names: c.1880T>C, p.Leu627Pro (NM_001375809.1, NM_014646.2); short protein forms L627P.
Identifiers: ClinVar variation 4079215 (VCV004079215.2).

ClinVar aggregate classification (germline): Uncertain significance. Review status: criteria provided, multiple submitters, no conflicts (2 of 4 stars). 2 submissions from 2 submitters: Uncertain significance (2). Last evaluated 2025-11-24.

Conditions:
Majeed syndrome (MJDS). Also called: LPIN2-Related Majeed Syndrome; CHRONIC RECURRENT MULTIFOCAL OSTEOMYELITIS 1, WITH CONGENITAL DYSERYTHROPOIETIC ANEMIA, WITH OR WITHOUT NEUTROPHILIC DERMATOSIS. Identifiers: Orphanet 77297, MedGen C1864997, MONDO:0012316, OMIM 609628.

gnomAD v4.1: 3 of 1,614,184 alleles (0.00019%); highest among the groups gnomAD compares: East Asian, 0.0045%; no homozygotes.

Submissions (2):

Labcorp Genetics (formerly Invitae), Labcorp
Classification: Uncertain significance for Majeed syndrome. Last evaluated: 2025-11-24. Review status: criteria provided, single submitter. Criteria: Invitae Variant Classification Sherloc (09022015). Collection method: clinical testing. Allele origin: germline.
Comment: This sequence change replaces leucine, which is neutral and non-polar, with proline, which is neutral and non-polar, at codon 627 of the LPIN2 protein (p.Leu627Pro). This variant is present in population databases (no rsID available, gnomAD 0.006%). This variant has not been reported in the literature in individuals affected with LPIN2-related conditions. ClinVar contains an entry for this variant (Variation ID: 4079215). Invitae Evidence Modeling of protein sequence and biophysical properties (such as structural, functional, and spatial information, amino acid conservation, physicochemical variation, residue mobility, and thermodynamic stability) indicates that this missense variant is not expected to disrupt LPIN2 protein function with a negative predictive value of 80%. In summary, the available evidence is currently insufficient to determine the role of this variant in disease. Therefore, it has been classified as a Variant of Uncertain Significance.

Revvity Omics, Revvity
Classification: Uncertain significance for Majeed syndrome. Last evaluated: 2024-09-21. Review status: criteria provided, single submitter. Criteria: ACMG Guidelines, 2015. Collection method: clinical testing. Allele origin: germline.